The following is an entry in ClinVar:

NM_001453.3(FOXC1):c.537G>A (p.Ala179=)

Gene: FOXC1 (forkhead box C1; plus strand). Cytogenetic location: 6p25.3.
Variant type: single nucleotide variant.
Coding change: c.537G>A on transcript NM_001453.3 (MANE Select); coding-DNA position 537, G replaced by A.
Protein change: p.Ala179=; no amino-acid change (alanine 179 retained).
Molecular consequence: synonymous variant.
Genome position (GRCh38, 1-based): chr6:1,610,982, G>A. VCF-style: chr6-1610982-G-A. GRCh37 (hg19) VCF-style: chr6-1611217-G-A.
Identifiers: ClinVar variation 285802 (VCV000285802.6), dbSNP rs756088237, ClinGen allele CA3614772.

ClinVar aggregate classification (germline): Uncertain significance. Review status: criteria provided, multiple submitters, no conflicts (2 of 4 stars). 2 submissions from 2 submitters: Uncertain significance (2). Last evaluated 2025-10-06.

Conditions:
Axenfeld-Rieger syndrome type 3 (RIEG3). Also called: AXENFELD-RIEGER ANOMALY WITH CARDIAC DEFECTS AND/OR SENSORINEURAL HEARING LOSS. Identifiers: Orphanet 782, MedGen C2678503, MONDO:0011233, OMIM 602482.

Allele frequency attached by ClinVar (database versions not stated): ExAC 0.00001; gnomAD 0.00001; gnomAD exomes 0.00001; TOPMed below 0.00001.
gnomAD v4.1: 8 of 1,612,810 alleles (0.0005%); highest among the groups gnomAD compares: East Asian, 0.0045%; no homozygotes.

Submissions (2):

Labcorp Genetics (formerly Invitae), Labcorp
Classification: Uncertain significance for Axenfeld-Rieger syndrome type 3. Last evaluated: 2025-10-06. Review status: criteria provided, single submitter. Criteria: Invitae Variant Classification Sherloc (09022015). Collection method: clinical testing. Allele origin: germline.
Comment: This sequence change affects codon 179 of the FOXC1 mRNA. It is a 'silent' change, meaning that it does not change the encoded amino acid sequence of the FOXC1 protein. This variant is present in population databases (rs756088237, gnomAD 0.0009%). This variant has not been reported in the literature in individuals affected with FOXC1-related conditions. ClinVar contains an entry for this variant (Variation ID: 285802). In summary, the available evidence is currently insufficient to determine the role of this variant in disease. Therefore, it has been classified as a Variant of Uncertain Significance.

Eurofins Ntd Llc (ga)
Classification: Uncertain significance. Last evaluated: 2016-01-25. Review status: criteria provided, single submitter. Criteria: EGL Classification Definitions 2015. Collection method: clinical testing. Allele origin: germline. Observed: 1 variant allele, 1 heterozygote.